The following is an entry in ClinVar:

NM_000057.4(BLM):c.4175C>A (p.Ala1392Asp)

Gene: BLM (BLM RecQ like helicase; plus strand). Cytogenetic location: 15q26.1.
Variant type: single nucleotide variant.
Coding change: c.4175C>A on transcript NM_000057.4 (MANE Select); coding-DNA position 4175, C replaced by A.
Protein change: p.Ala1392Asp; replaces alanine 1392 with aspartic acid.
Molecular consequence: missense variant.
Genome position (GRCh38, 1-based): chr15:90,815,200, C>A. VCF-style: chr15-90815200-C-A. GRCh37 (hg19) VCF-style: chr15-91358430-C-A.
Other names: c.4175C>A, p.Ala1392Asp (NM_001287246.2); c.3782C>A, p.Ala1261Asp (NM_001287247.2); c.3050C>A, p.Ala1017Asp (NM_001287248.2); short protein forms A1392D, A1261D, A1017D.
Identifiers: ClinVar variation 4211974 (VCV004211974.1).

ClinVar aggregate classification (germline): Uncertain significance (1 of 4 stars; one submission).

Conditions:
Hereditary cancer-predisposing syndrome. Also called: Neoplastic Syndromes, Hereditary; Tumor predisposition; Hereditary Cancer Syndrome; Hereditary neoplastic syndrome. Identifiers: Orphanet 140162, MedGen C0027672, MeSH D009386, MONDO:0015356.

Submission:

Ambry Genetics
Classification: Uncertain significance for Hereditary cancer-predisposing syndrome. Last evaluated: 2025-08-11. Review status: criteria provided, single submitter. Criteria: Ambry Variant Classification Scheme 2023. Collection method: clinical testing. Allele origin: germline.
Comment: The p.A1392D variant (also known as c.4175C>A), located in coding exon 21 of the BLM gene, results from a C to A substitution at nucleotide position 4175. The alanine at codon 1392 is replaced by aspartic acid, an amino acid with dissimilar properties. This amino acid position is conserved. In addition, this alteration is predicted to be tolerated by in silico analysis. Based on the available evidence, the clinical significance of this variant remains unclear.